The following is an entry in ClinVar:

ClinVar aggregate classification (germline): Uncertain significance (1 of 4 stars; one submission).

Conditions:
Anauxetic dysplasia. Identifiers: Orphanet 93347, MedGen C1846796, MONDO:0011773.

Allele frequency attached by ClinVar (database versions not stated): TOPMed 0.00003; gnomAD 0.00004.
gnomAD v4.1: 15 of 692,466 alleles (0.0022%); highest among the groups gnomAD compares: African/African-American, 0.0088%; no homozygotes.

Submission:

Labcorp Genetics (formerly Invitae), Labcorp
Classification: Uncertain significance for Anauxetic dysplasia. Last evaluated: 2026-02-02. Review status: criteria provided, single submitter. Criteria: Invitae Variant Classification Sherloc (09022015). Collection method: clinical testing. Allele origin: germline.
Comment: This variant occurs in the RMRP gene, which encodes an RNA molecule that does not result in a protein product. The frequency data for this variant in the population databases is considered unreliable, as metrics indicate poor data quality at this position in the gnomAD database. This variant has not been reported in the literature in individuals affected with RMRP-related conditions. ClinVar contains an entry for this variant (Variation ID: 949230). Experimental studies and prediction algorithms are not available or were not evaluated, and the functional significance of this variant is currently unknown. In summary, the available evidence is currently insufficient to determine the role of this variant in disease. Therefore, it has been classified as a Variant of Uncertain Significance.

NC_000009.12:g.35658010G>A

Gene: RMRP (RNA component of mitochondrial RNA processing endoribonuclease; minus strand). Cytogenetic location: 9p13.3.
Variant type: single nucleotide variant.
Genome position: GRCh38 VCF-style: chr9-35658010-G-A. GRCh37 (hg19) VCF-style: chr9-35658007-G-A.
Identifiers: ClinVar variation 949230 (VCV000949230.5), dbSNP rs893651141, ClinGen allele CA192745730.